The following is an entry in ClinVar:

NM_001367624.2(ZNF469):c.4343C>T (p.Pro1448Leu)

Gene: ZNF469 (zinc finger protein 469; plus strand). Cytogenetic location: 16q24.2.
Variant type: single nucleotide variant.
Coding change: c.4343C>T on transcript NM_001367624.2 (MANE Select); coding-DNA position 4343, C replaced by T.
Protein change: p.Pro1448Leu; replaces proline 1448 with leucine.
Molecular consequence: missense variant.
Genome position (GRCh38, 1-based): chr16:88,431,813, C>T. VCF-style: chr16-88431813-C-T. GRCh37 (hg19) VCF-style: chr16-88498221-C-T.
Other names: NM_001127464.1:c.4259C>T; p.Pro1448Leu; short protein forms P1448L.
Identifiers: ClinVar variation 281205 (VCV000281205.27), dbSNP rs4782300, ClinGen allele CA8224940.

ClinVar aggregate classification (germline): Benign. Review status: criteria provided, multiple submitters, no conflicts (2 of 4 stars). 13 submissions from 13 submitters: Benign (10). 3 of the submissions do not count toward it. Last evaluated 2026-02-04.

Conditions:
Cardiovascular phenotype. Identifiers: MedGen CN230736.
Brittle cornea syndrome 1 (BCS1). Also called: CORNEAL FRAGILITY, KERATOGLOBUS, BLUE SCLERAE, JOINT HYPEREXTENSIBILITY; EDS6B; FRAGILITAS OCULI WITH JOINT HYPEREXTENSIBILITY; DYSGENESIS MESODERMALIS CORNEAE ET SCLERAE; Corneal fragility keratoglobus, blue sclerae AND joint hypermobility. Identifiers: Orphanet 90354, MedGen C0268344, MONDO:0024543, OMIM 229200.

Allele frequency attached by ClinVar (database versions not stated): 1000 Genomes Project 0.84425; 1000 Genomes Project 30x 0.84822; gnomAD 0.87223 and 0.87225; ExAC 0.87483; TOPMed 0.87558; ESP Exome Variant Server 0.87725; gnomAD exomes 0.89682 and 0.91135.
gnomAD v4.1: 1,405,449 of 1,549,724 alleles (91%); highest among the groups gnomAD compares: Admixed American, 94%; 638,529 homozygotes.

Submissions (13):

Labcorp Genetics (formerly Invitae), Labcorp
Classification: Benign. Last evaluated: 2026-02-04. Review status: criteria provided, single submitter. Criteria: Invitae Variant Classification Sherloc (09022015). Collection method: clinical testing. Allele origin: germline.

Women's Health and Genetics/Laboratory Corporation of America, LabCorp
Classification: Benign. Last evaluated: 2025-10-13. Review status: criteria provided, single submitter. Criteria: LabCorp Variant Classification Summary - May 2015. Collection method: clinical testing. Allele origin: germline.

Blueprint Genetics
Classification: Benign. Last evaluated: 2024-11-27. Review status: criteria provided, single submitter. Criteria: ACMG Guidelines, 2015. Collection method: clinical testing. Allele origin: germline.

Mayo Clinic Laboratories, Mayo Clinic
Classification: Benign. Last evaluated: 2022-04-26. Review status: criteria provided, single submitter. Criteria: ACMG Guidelines, 2015. Collection method: clinical testing. Allele origin: germline. Observed: 3,064 variant alleles.

Genome-Nilou Lab
Classification: Benign for Brittle cornea syndrome 1. Last evaluated: 2021-12-05. Review status: criteria provided, single submitter. Criteria: ACMG Guidelines, 2015. Collection method: clinical testing. Allele origin: germline. Affected: no.

Mendelics
Classification: Benign for Brittle cornea syndrome 1. Last evaluated: 2019-05-28. Review status: criteria provided, single submitter. Criteria: Mendelics Assertion Criteria 2017. Collection method: clinical testing. Allele origin: unknown.

Ambry Genetics
Classification: Benign for Cardiovascular phenotype. Last evaluated: 2018-12-04. Review status: criteria provided, single submitter. Criteria: Ambry Variant Classification Scheme 2023. Collection method: clinical testing. Allele origin: germline.

GeneDx
Classification: Benign. Last evaluated: 2016-09-29. Review status: criteria provided, single submitter. Criteria: GeneDx Variant Classification (06012015). Collection method: clinical testing. Allele origin: germline. Affected: yes.
Comment: This variant is considered likely benign or benign based on one or more of the following criteria: it is a conservative change, it occurs at a poorly conserved position in the protein, it is predicted to be benign by multiple in silico algorithms, and/or has population frequency not consistent with disease.

Eurofins Ntd Llc (ga)
Classification: Benign. Last evaluated: 2015-11-20. Review status: criteria provided, single submitter. Criteria: EGL Classification Definitions 2015. Collection method: clinical testing. Allele origin: germline. Observed: 3 variant alleles, 3 homozygotes.

Breakthrough Genomics
Classification: Benign. Review status: criteria provided, single submitter. Criteria: ACMG Guidelines, 2015. Collection method: not provided. Allele origin: germline. Inheritance: Autosomal recessive inheritance. Affected: yes.

Genome Diagnostics Laboratory, Amsterdam University Medical Center
Classification: Benign for Brittle cornea syndrome 1. Last evaluated: 2016-01-15. Review status: no assertion criteria provided. Criteria: ACGS Guidelines, 2013. Collection method: clinical testing. Allele origin: germline. Affected: yes. Study: VKGL Data-share Consensus. Not counted in ClinVar's aggregate classification.

Diagnostic Laboratory, Department of Genetics, University Medical Center Groningen
Classification: Benign for Brittle cornea syndrome 1. Review status: no assertion criteria provided. Collection method: clinical testing. Allele origin: germline. Affected: yes. Study: VKGL Data-share Consensus. Not counted in ClinVar's aggregate classification.

Joint Genome Diagnostic Labs from Nijmegen and Maastricht, Radboudumc and MUMC+
Classification: Benign. Review status: no assertion criteria provided. Collection method: clinical testing. Allele origin: germline. Affected: yes. Study: VKGL Data-share Consensus. Not counted in ClinVar's aggregate classification.